The following is an entry in ClinVar:

NM_199420.4(POLQ):c.473A>T (p.Gln158Leu)

Gene: POLQ (DNA polymerase theta; minus strand). Cytogenetic location: 3q13.33.
Variant type: single nucleotide variant.
Coding change: c.473A>T on transcript NM_199420.4 (MANE Select); coding-DNA position 473, A replaced by T.
Protein change: p.Gln158Leu; replaces glutamine 158 with leucine.
Molecular consequence: missense variant.
Genome position (GRCh38, 1-based): chr3:121,541,350, T>A on the plus strand (A>T on the coding strand, the complement: POLQ is on the minus strand). VCF-style: chr3-121541350-T-A. GRCh37 (hg19) VCF-style: chr3-121260197-T-A.
Other names: short protein forms Q158L.
Identifiers: ClinVar variation 2449020 (VCV002449020.2), dbSNP rs376865576, ClinGen allele CA354092469.

ClinVar aggregate classification (germline): Uncertain significance (1 of 4 stars; one submission).

Submission:

Ambry Genetics
Classification: Uncertain significance. Last evaluated: 2023-02-16. Review status: criteria provided, single submitter. Criteria: Ambry Variant Classification Scheme 2023. Collection method: clinical testing. Allele origin: germline.
Comment: The p.Q158L variant (also known as c.473A>T), located in coding exon 3 of the POLQ gene, results from an A to T substitution at nucleotide position 473. The glutamine at codon 158 is replaced by leucine, an amino acid with dissimilar properties. This amino acid position is conserved. In addition, this alteration is predicted to be tolerated by in silico analysis. Since supporting evidence is limited at this time, the clinical significance of this alteration remains unclear.